The following is an entry in ClinVar:

NM_000051.4(ATM):c.5889dup (p.Lys1964Ter)

Genes: ATM (ATM serine/threonine kinase; plus strand), C11orf65 (chromosome 11 open reading frame 65; minus strand). Cytogenetic location: 11q22.3.
Variant type: Duplication.
Coding change: c.5889dup on transcript NM_000051.4 (MANE Select); coding-DNA position 5889, one base duplicated (T; older notation c.5889dupT).
Protein change: p.Lys1964Ter; replaces lysine 1964 with a stop codon.
Molecular consequence: nonsense. On other transcripts: intron variant (2).
Genome position (GRCh38, 1-based): chr11:108,310,286, T duplicated. VCF-style (leftmost placement, unchanged base first): chr11-108310285-A-AT. GRCh37 (hg19) VCF-style: chr11-108181012-A-AT.
Other names: c.5889dup, p.Lys1964Ter (NM_001351834.2); c.641-1215dup (NM_001330368.2); c.*39-1215dup (NM_001351110.2); short protein forms K1964*.
Identifiers: ClinVar variation 1455576 (VCV001455576.8), dbSNP rs2136018060, ClinGen allele CA2573146741.

ClinVar aggregate classification (germline): Pathogenic (1 of 4 stars; one submission).

Conditions:
Ataxia-telangiectasia syndrome (AT). Also called: Ataxia-telangiectasia; LOUIS-BAR SYNDROME; Ataxia-telangiectasia, complementation group D; AT, COMPLEMENTATION GROUP C; ATAXIA-TELANGIECTASIA, COMPLEMENTATION GROUP A; ATAXIA-TELANGIECTASIA, FRESNO VARIANT. Identifiers: Orphanet 100, MedGen C0004135, MONDO:0008840, OMIM 208900.

Submission:

Labcorp Genetics (formerly Invitae), Labcorp
Classification: Pathogenic for Ataxia-telangiectasia syndrome. Last evaluated: 2021-10-16. Review status: criteria provided, single submitter. Criteria: Invitae Variant Classification Sherloc (09022015). Collection method: clinical testing. Allele origin: germline.
Comment: For these reasons, this variant has been classified as Pathogenic. This variant has not been reported in the literature in individuals affected with ATM-related conditions. This variant is not present in population databases (ExAC no frequency). This sequence change creates a premature translational stop signal (p.Lys1964*) in the ATM gene. It is expected to result in an absent or disrupted protein product. Loss-of-function variants in ATM are known to be pathogenic (PMID: 23807571, 25614872).

Literature cited by the submitters: PubMed 23807571; PubMed 25614872.